The following is an entry in ClinVar:

ClinVar aggregate classification (germline): Uncertain significance (1 of 4 stars; one submission).

Conditions:
ISL1-related disorder. Also called: ISL1-related condition.

Submission:

PreventionGenetics, part of Exact Sciences
Classification: Uncertain significance for ISL1-related condition. Last evaluated: 2026-08-04. Review status: criteria provided, single submitter. Criteria: ACMG Guidelines, 2015. Collection method: clinical testing. Allele origin: germline.
Comment: The ISL1 c.747G>T variant is predicted to result in the amino acid substitution p.Gln249His. To our knowledge, this variant has not been reported in the literature or in a large population database (gnomAD), indicating this variant is rare. At this time, the clinical significance of this variant is uncertain due to the absence of conclusive functional and genetic evidence.

NM_002202.3(ISL1):c.747G>T (p.Gln249His)

Gene: ISL1 (ISL LIM homeobox 1; plus strand). Cytogenetic location: 5q11.1.
Variant type: single nucleotide variant.
Coding change: c.747G>T on transcript NM_002202.3 (MANE Select); coding-DNA position 747, G replaced by T.
Protein change: p.Gln249His; replaces glutamine 249 with histidine.
Molecular consequence: missense variant.
Genome position (GRCh38, 1-based): chr5:51,389,914, G>T. VCF-style: chr5-51389914-G-T. GRCh37 (hg19) VCF-style: chr5-50685748-G-T.
Other names: short protein forms Q249H.
Identifiers: ClinVar variation 4993730 (VCV004993730.1).